The following is an entry in ClinVar:

ClinVar aggregate classification (germline): Uncertain significance (1 of 4 stars; one submission).

Allele frequency attached by ClinVar (database versions not stated): gnomAD 0.00001; ExAC 0.00002; gnomAD exomes 0.00003 and 0.00006; TOPMed 0.00003; ESP Exome Variant Server 0.00008.
gnomAD v4.1: 90 of 1,613,918 alleles (0.0056%); highest among the groups gnomAD compares: Non-Finnish European, 0.0073%; no homozygotes.

Submission:

Labcorp Genetics (formerly Invitae), Labcorp
Classification: Uncertain significance. Last evaluated: 2024-05-09. Review status: criteria provided, single submitter. Criteria: Invitae Variant Classification Sherloc (09022015). Collection method: clinical testing. Allele origin: germline.
Comment: This sequence change falls in intron 6 of the ASRGL1 gene. It does not directly change the encoded amino acid sequence of the ASRGL1 protein. It affects a nucleotide within the consensus splice site. This variant is present in population databases (rs377237481, gnomAD 0.006%). This variant has not been reported in the literature in individuals affected with ASRGL1-related conditions. ClinVar contains an entry for this variant (Variation ID: 1037111). Variants that disrupt the consensus splice site are a relatively common cause of aberrant splicing (PMID: 17576681, 9536098). Algorithms developed to predict the effect of sequence changes on RNA splicing suggest that this variant may disrupt the consensus splice site. In summary, the available evidence is currently insufficient to determine the role of this variant in disease. Therefore, it has been classified as a Variant of Uncertain Significance.

Literature cited by the submitters: PubMed 17576681; PubMed 9536098.

NM_001083926.2(ASRGL1):c.722-3C>G

Gene: ASRGL1 (asparaginase and isoaspartyl peptidase 1; plus strand). Cytogenetic location: 11q12.3.
Variant type: single nucleotide variant.
Coding change: c.722-3C>G on transcript NM_001083926.2 (MANE Select); 3 bases into the intron before coding-DNA position 722, C replaced by G.
Molecular consequence: intron variant.
Genome position (GRCh38, 1-based): chr11:62,392,076, C>G. VCF-style: chr11-62392076-C-G. GRCh37 (hg19) VCF-style: chr11-62159548-C-G.
Other names: c.722-3C>G (NM_025080.4).
Identifiers: ClinVar variation 1037111 (VCV001037111.8), dbSNP rs377237481, ClinGen allele CA6043316.
Genomic context (GRCh38, chr11:62,392,076, plus strand): 5'-TGATTTTCCCATGAGATTCCTTTCAGTAATGTGTGTTGTTTCTCAACCCTTCCTTGTTTT[C>G]AGGAAAGACGGTAGAAGAGGCTGCGGACCTATCGTTGGGTTATATGAAGTCAAGGGTTAA-3'